The following is an entry in ClinVar:

ClinVar aggregate classification (germline): Pathogenic (1 of 4 stars; one submission).

Submission:

Labcorp Genetics (formerly Invitae), Labcorp
Classification: Pathogenic. Last evaluated: 2022-09-02. Review status: criteria provided, single submitter. Criteria: Invitae Variant Classification Sherloc (09022015). Collection method: clinical testing. Allele origin: germline.
Comment: A gross deletion of the genomic region encompassing the full coding sequence of the IFNAR2 gene has been identified. Loss-of-function variants in IFNAR2 are known to be pathogenic (PMID: 26424569, 33193576). The boundaries of this event are unknown as they extend beyond the assayed region for this gene and therefore may encompass additional genes. This variant has not been reported in the literature in individuals affected with IFNAR2-related conditions. For these reasons, this variant has been classified as Pathogenic.

Literature cited by the submitters: PubMed 26424569; PubMed 33193576.

NC_000021.8:g.(?_34614228)_(34635805_?)del

Gene: IFNAR2 (interferon alpha and beta receptor subunit 2; plus strand). Cytogenetic location: 21q22.11.
Variant type: Deletion.
Identifiers: ClinVar variation 2427781 (VCV002427781.3).